The following is an entry in ClinVar:

NM_001018113.3(FANCB):c.972A>T (p.Lys324Asn)

Gene: FANCB (FA complementation group B; minus strand). Cytogenetic location: Xp22.2.
Variant type: single nucleotide variant.
Coding change: c.972A>T on transcript NM_001018113.3 (MANE Select); coding-DNA position 972, A replaced by T.
Protein change: p.Lys324Asn; replaces lysine 324 with asparagine.
Molecular consequence: missense variant.
Genome position (GRCh38, 1-based): chrX:14,859,314, T>A on the plus strand (A>T on the coding strand, the complement: FANCB is on the minus strand). VCF-style: chrX-14859314-T-A. GRCh37 (hg19) VCF-style: chrX-14877436-T-A.
Other names: c.972A>T, p.Lys324Asn (NM_001324162.2, NM_152633.4); short protein forms K324N.
Identifiers: ClinVar variation 1512053 (VCV001512053.9), dbSNP rs1456143136, ClinGen allele CA412443278.

ClinVar aggregate classification (germline): Uncertain significance. Review status: criteria provided, multiple submitters, no conflicts (2 of 4 stars). 2 submissions from 2 submitters: Uncertain significance (2). Last evaluated 2021-06-18.

Conditions:
Fanconi anemia (FA). Also called: Fanconi's anemia. Identifiers: Orphanet 84, MedGen C0015625, MeSH D005199, MONDO:0019391.

Allele frequency attached by ClinVar (database versions not stated): gnomAD exomes below 0.00001; TOPMed below 0.00001.
gnomAD v4.1: 1 of 1,193,738 alleles (0.000084%); highest among the groups gnomAD compares: East Asian, 0.003%; no homozygotes.

Submissions (2):

Labcorp Genetics (formerly Invitae), Labcorp
Classification: Uncertain significance for Fanconi anemia. Last evaluated: 2021-06-18. Review status: criteria provided, single submitter. Criteria: Invitae Variant Classification Sherloc (09022015). Collection method: clinical testing. Allele origin: germline.
Comment: In summary, the available evidence is currently insufficient to determine the role of this variant in disease. Therefore, it has been classified as a Variant of Uncertain Significance. Algorithms developed to predict the effect of missense changes on protein structure and function output the following: SIFT: "Tolerated"; PolyPhen-2: "Benign"; Align-GVGD: "Class C0". The asparagine amino acid residue is found in multiple mammalian species, suggesting that this missense change does not adversely affect protein function. These predictions have not been confirmed by published functional studies and their clinical significance is uncertain. This variant has not been reported in the literature in individuals with FANCB-related conditions. This variant is not present in population databases (ExAC no frequency). This sequence change replaces lysine with asparagine at codon 324 of the FANCB protein (p.Lys324Asn). The lysine residue is weakly conserved and there is a moderate physicochemical difference between lysine and asparagine.

Sema4
Classification: Uncertain significance for Fanconi anemia. Last evaluated: 2021-06-18. Review status: criteria provided, single submitter. Criteria: Sema4 Curation Guidelines. Collection method: curation. Allele origin: germline.
Comment: The FANCB c.972A>T (p.K324N) variant has not been reported in the literature to our knowledge. It was not observed in the large and broad cohorts of the Genome Aggregation Database (PMID: 32461654) and has not been reported in ClinVar. In silico tools suggest the impact of the variant on protein function is benign, though these predictions have not been confirmed by functional studies. The evidence is insufficient to meet ACMG/AMP criteria for classifying the variant as benign or pathogenic. Thus, the clinical significance of this variant is currently uncertain.